The following is an entry in ClinVar:

ClinVar aggregate classification (germline): Benign. Review status: criteria provided, multiple submitters, no conflicts (2 of 4 stars). 8 submissions from 8 submitters: Benign (7). 1 of the submissions does not count toward it. Last evaluated 2026-02-04.

Conditions:
PGM1-congenital disorder of glycosylation. Also called: Congenital disorder of glycosylation type 1t; PHOSPHOGLUCOMUTASE 1 DEFICIENCY; PGM1 DEFICIENCY; GLYCOGEN STORAGE DISEASE XIV; GSD XIV; CDG It. Identifiers: Orphanet 319646, MedGen C2752015, MONDO:0013968, OMIM 614921.

Allele frequency attached by ClinVar (database versions not stated): ESP Exome Variant Server 0.18015; gnomAD exomes 0.20165 and 0.23441; gnomAD 0.21027 and 0.21118; TOPMed 0.21227; ExAC 0.22398; 1000 Genomes Project 0.22584; 1000 Genomes Project 30x 0.22783.
gnomAD v4.1: 326,908 of 1,613,620 alleles (20%); highest among the groups gnomAD compares: Admixed American, 40%; 35,538 homozygotes.

Submissions (8):

Labcorp Genetics (formerly Invitae), Labcorp
Classification: Benign for PGM1-congenital disorder of glycosylation. Last evaluated: 2026-02-04. Review status: criteria provided, single submitter. Criteria: Invitae Variant Classification Sherloc (09022015). Collection method: clinical testing. Allele origin: germline.

ARUP Laboratories, Molecular Genetics and Genomics, ARUP Laboratories
Classification: Benign for PGM1-congenital disorder of glycosylation. Last evaluated: 2025-07-23. Review status: criteria provided, single submitter. Criteria: ARUP Molecular Germline Variant Investigation Process 2024. Collection method: clinical testing. Allele origin: germline.

Blueprint Genetics
Classification: Benign. Last evaluated: 2024-11-26. Review status: criteria provided, single submitter. Criteria: ACMG Guidelines, 2015. Collection method: clinical testing. Allele origin: germline.

Unidad de Genómica Garrahan, Hospital de Pediatría Garrahan
Classification: Benign. Last evaluated: 2024-01-24. Review status: criteria provided, single submitter. Criteria: ACMG Guidelines, 2015. Collection method: clinical testing. Allele origin: germline. Affected: no. Observed: 57 variant alleles.
Comment: This variant is classified as Benign based on local population frequency. This variant was detected in 60% of patients studied by a panel of primary immunodeficiencies. Number of patients: 57. Only high quality variants are reported.

Illumina Laboratory Services, Illumina
Classification: Benign for PGM1-congenital disorder of glycosylation. Last evaluated: 2018-01-13. Review status: criteria provided, single submitter. Criteria: ICSL Variant Classification Criteria 13 December 2019. Collection method: clinical testing. Allele origin: germline.
Comment: This variant was observed in the ICSL laboratory as part of a predisposition screen in an ostensibly healthy population. It had not been previously curated by ICSL or reported in the Human Gene Mutation Database (HGMD: prior to June 1st, 2018), and was therefore a candidate for classification through an automated scoring system. Utilizing variant allele frequency, disease prevalence and penetrance estimates, and inheritance mode, an automated score was calculated to assess if this variant is too frequent to cause the disease. Based on the score and internal cut-off values, a variant classified as benign is not then subjected to further curation. The score for this variant resulted in a classification of benign for this disease.

GeneDx
Classification: Benign. Last evaluated: 2015-12-02. Review status: criteria provided, single submitter. Criteria: GeneDx Variant Classification (06012015). Collection method: clinical testing. Allele origin: germline. Affected: yes.
Comment: This variant is considered likely benign or benign based on one or more of the following criteria: it is a conservative change, it occurs at a poorly conserved position in the protein, it is predicted to be benign by multiple in silico algorithms, and/or has population frequency not consistent with disease.

Breakthrough Genomics
Classification: Benign. Review status: criteria provided, single submitter. Criteria: ACMG Guidelines, 2015. Collection method: not provided. Allele origin: germline. Inheritance: Autosomal recessive inheritance. Affected: yes.

Mayo Clinic Laboratories, Mayo Clinic
Classification: Benign. Last evaluated: 2015-10-23. Review status: no assertion criteria provided. Collection method: clinical testing. Allele origin: unknown. Not counted in ClinVar's aggregate classification.

NM_002633.3(PGM1):c.1258T>C (p.Tyr420His)

Gene: PGM1 (phosphoglucomutase 1; plus strand). Cytogenetic location: 1p31.3.
Variant type: single nucleotide variant.
Coding change: c.1258T>C on transcript NM_002633.3 (MANE Select); coding-DNA position 1258, T replaced by C.
Protein change: p.Tyr420His; replaces tyrosine 420 with histidine.
Molecular consequence: missense variant.
Genome position (GRCh38, 1-based): chr1:63,648,630, T>C. VCF-style: chr1-63648630-T-C. GRCh37 (hg19) VCF-style: chr1-64114301-T-C.
Other names: c.1312T>C, p.Tyr438His (NM_001172818.1); c.667T>C, p.Tyr223His (NM_001172819.2); short protein forms Y420H, Y223H, Y438H.
Identifiers: ClinVar variation 297885 (VCV000297885.32), dbSNP rs11208257, ClinGen allele CA889779.